The following is an entry in ClinVar:

NM_007055.4(POLR3A):c.1934TGA[1] (p.Met646del)

Gene: POLR3A (RNA polymerase III subunit A; minus strand). Cytogenetic location: 10q22.3.
Variant type: Microsatellite.
Coding change: c.1934TGA[1] on transcript NM_007055.4 (MANE Select); one copy of the 3-base unit TGA starting at c.1934; the reference has two copies in a row; one copy, 3 bases deleted.
Protein change: p.Met646del; deletes methionine 646.
Molecular consequence: inframe deletion.
Genome position (GRCh38, 1-based): chr10:78,007,837-78,007,839, TCA deleted on the plus strand (TGA on the coding strand, the reverse complement: POLR3A is on the minus strand); deleting any 3 consecutive bases within chr10:78,007,837-78,007,842 gives the same sequence; the position shown is the placement nearest the transcript's 3' end. VCF-style (leftmost placement, unchanged base first): chr10-78007836-CTCA-C. GRCh37 (hg19) VCF-style: chr10-79767594-CTCA-C.
Other names: short protein forms M646del.
Identifiers: ClinVar variation 2227692 (VCV002227692.2), dbSNP rs2493217385, ClinGen allele CA2580615522.

ClinVar aggregate classification (germline): Uncertain significance (1 of 4 stars; one submission).

Conditions:
Inborn genetic diseases. Identifiers: MedGen C0950123, MeSH D030342.

Submission:

Ambry Genetics
Classification: Uncertain significance for Inborn genetic diseases. Last evaluated: 2020-10-22. Review status: criteria provided, single submitter. Criteria: Ambry Variant Classification Scheme 2023. Collection method: clinical testing. Allele origin: germline.
Comment: The c.1937_1939delTGA (p.M646del) alteration, located in coding exon 15 of the POLR3A gene, results from an in-frame TGA deletion at nucleotide positions 1937 to 1939. This results in the deletion of a methionine (M) at codon 646. Based on data from the Genome Aggregation Database (gnomAD), the POLR3A c.1937_1939delTGA alteration was not observed, with coverage at this position. This amino acid position is highly conserved in available vertebrate species. In addition, this alteration is predicted to be deleterious by in silico analysis (Choi, 2012). Based on insufficient or conflicting evidence, the clinical significance of this alteration remains unclear.